The following is an entry in ClinVar:

ClinVar aggregate classification (germline): Pathogenic/Likely pathogenic. Review status: criteria provided, multiple submitters, no conflicts (2 of 4 stars). 2 submissions from 2 submitters: Pathogenic (1); Likely pathogenic (1). Last evaluated 2019-01-01.

Conditions:
Seckel syndrome 10 (SCKL10). Identifiers: MedGen C4310647, MONDO:0014991, OMIM 617253.

Allele frequency attached by ClinVar (database versions not stated): ExAC 0.00002; gnomAD exomes 0.00002; TOPMed below 0.00001.
gnomAD v4.1: 30 of 1,604,518 alleles (0.0019%); highest among the groups gnomAD compares: East Asian, 0.067%; no homozygotes.

Submissions (2):

Labcorp Genetics (formerly Invitae), Labcorp
Classification: Pathogenic. Last evaluated: 2019-01-01. Review status: criteria provided, single submitter. Criteria: Invitae Variant Classification Sherloc (09022015). Collection method: clinical testing. Allele origin: germline.
Comment: This variant is present in population databases (rs760514663, ExAC 0.03%). This variant has not been reported in the literature in individuals with NSMCE2-related disease. Loss-of-function variants in NSMCE2 are known to be pathogenic (PMID: 25105364, 26443207). For these reasons, this variant has been classified as Pathogenic. This sequence change creates a premature translational stop signal (p.Gln132*) in the NSMCE2 gene. It is expected to result in an absent or disrupted protein product.

Juno Genomics, Hangzhou Juno Genomics, Inc
Classification: Likely pathogenic for Seckel syndrome 10. Review status: criteria provided, single submitter. Criteria: ACMG Guidelines, 2015. Collection method: clinical testing. Allele origin: germline.
Comment: Null variant in a gene where loss of function (LOF) is a known mechanism of disease.;Absent from controls (or at extremely low frequency if recessive) in Genome Aggregation Database.

Literature cited by the submitters: PubMed 25105364 (cited by Labcorp Genetics (formerly Invitae), Labcorp); PubMed 26443207 (cited by Labcorp Genetics (formerly Invitae), Labcorp).

NM_173685.4(NSMCE2):c.394C>T (p.Gln132Ter)

Gene: NSMCE2 (NSE2 SUMO ligase component of SMC5/6 complex; plus strand). Cytogenetic location: 8q24.13.
Variant type: single nucleotide variant.
Coding change: c.394C>T on transcript NM_173685.4 (MANE Select); coding-DNA position 394, C replaced by T.
Protein change: p.Gln132Ter; replaces glutamine 132 with a stop codon.
Molecular consequence: nonsense. On other transcripts: non-coding transcript variant (2).
Genome position (GRCh38, 1-based): chr8:125,182,232, C>T. VCF-style: chr8-125182232-C-T. GRCh37 (hg19) VCF-style: chr8-126194474-C-T.
Other names: c.394C>T, p.Gln132Ter (NM_001349485.2, NM_001349486.2, NM_001349487.2); short protein forms Q132*.
Identifiers: ClinVar variation 657402 (VCV000657402.12), dbSNP rs760514663, ClinGen allele CA4874379.